The following is an entry in ClinVar:

ClinVar aggregate classification (germline): Pathogenic/Likely pathogenic. Review status: criteria provided, multiple submitters, no conflicts (2 of 4 stars). 6 submissions from 6 submitters: Pathogenic (2); Likely pathogenic (4). Last evaluated 2026-08-19.

Conditions:
Hereditary hyperinsulinism.
Diabetes mellitus, permanent neonatal 3. Also called: ABCC8-Related Permanent Neonatal Diabetes Mellitus. Identifiers: MedGen C5394303, MONDO:0030088, OMIM 618857.
Diabetes mellitus, transient neonatal, 2 (TNDM2). Identifiers: Orphanet 99886, MedGen C1835887, MONDO:0012480, OMIM 610374. Disease mechanism: loss of function.
Hyperinsulinemic hypoglycemia, familial, 1 (HHF1). Also called: HYPERINSULINISM, FAMILIAL, WITH PANCREATIC NESIDIOBLASTOSIS; HYPOGLYCEMIA, HYPERINSULINEMIC, OF INFANCY; NESIDIOBLASTOSIS OF PANCREAS; Persistent hyperinsulinemic hypoglycemia of infancy; Persistent Hyperinsulinemia Hypoglycemia of Infancy. Identifiers: Orphanet 276575, Orphanet 276598, MedGen C2931832, MONDO:0009734, OMIM 256450.
Leucine-induced hypoglycemia (LIH). Also called: LEUCINE-SENSITIVE HYPOGLYCEMIA OF INFANCY. Identifiers: MedGen C0271714, MONDO:0009415, OMIM 240800.
Type 2 diabetes mellitus. Also called: Type II diabetes mellitus. Identifiers: MedGen C0011860, MeSH D003924, MONDO:0005148, OMIM 125853, HP:0005978.
Familial hyperinsulinism. Also called: Congenital hyperinsulinism. Identifiers: Orphanet 276525, MedGen C3888018, MONDO:0017182. Disease mechanism: loss of function.

Allele frequency attached by ClinVar (database versions not stated): gnomAD 0.00001; gnomAD exomes 0.00001; TOPMed 0.00001; ExAC 0.00002.
gnomAD v4.1: 20 of 1,600,116 alleles (0.0012%); highest among the groups gnomAD compares: Middle Eastern, 0.016%; no homozygotes.

Submissions (6):

GeneDx
Classification: Likely pathogenic. Last evaluated: 2026-08-19. Review status: criteria provided, single submitter. Criteria: GeneDx Variant Classification Process June 2021. Collection method: clinical testing. Allele origin: germline.
Comment: Reported with another ABCC8 variant in patients in published literature with hyperinsulinemic hypoglycemia in infancy or neonatal or adolesecent-onset diabetes (PMID: 31479591, 20215776, 22796691, 24686051); Not observed at significant frequency in large population cohorts (gnomAD); In silico analysis supports that this missense variant has a deleterious effect on protein structure/function; This variant is associated with the following publications: (PMID: 34014594, 28667717, 28245962, 31479591, 27573238, 31821855, 20215776, 33184150, 22796691, 17378627, 24686051)

Natera, Inc.
Classification: Likely pathogenic for Hereditary hyperinsulinism. Last evaluated: 2024-07-04. Review status: criteria provided, single submitter. Criteria: Natera Variant Classification Schema (03/2026). Collection method: clinical testing. Allele origin: germline.
Comment: The c.502C>T variant in ABCC8 is a missense variant predicted to cause substitution of arginine to cysteine at amino acid 168. This variant is rare in the general population with a frequency below the threshold expected for the associated phenotype(s). This variant has been observed in one or more individuals affected with the associated recessive disease, as either homozygous or compound heterozygous with a second variant (PMID: 24686051). Functional studies show that this variant may disrupt protein function (PMID: 27573238). Computational prediction algorithms indicate this variant is likely to affect gene or protein function. Given the available evidence, this variant is classified as Likely Pathogenic.

Fulgent Genetics
Classification: Likely pathogenic for Type 2 diabetes mellitus; Leucine-induced hypoglycemia; Hyperinsulinemic hypoglycemia, familial, 1; Diabetes mellitus, transient neonatal, 2; Diabetes mellitus, permanent neonatal 3. Last evaluated: 2024-06-20. Review status: criteria provided, single submitter. Criteria: ACMG Guidelines, 2015. Collection method: clinical testing. Allele origin: germline.

Women's Health and Genetics/Laboratory Corporation of America, LabCorp
Classification: Pathogenic for Familial hyperinsulinism. Last evaluated: 2023-11-16. Review status: criteria provided, single submitter. Criteria: LabCorp Variant Classification Summary - May 2015. Collection method: clinical testing. Allele origin: germline.
Comment: Variant summary: ABCC8 c.502C>T (p.Arg168Cys) results in a non-conservative amino acid change in the encoded protein sequence. Five of five in-silico tools predict a damaging effect of the variant on protein function. The variant allele was found at a frequency of 4.5e-06 in 224462 control chromosomes (gnomAD). c.502C>T has been reported in the literature in multiple individuals affected with Congenital Hyperinsulinism or Diabetes Mellitus (Greer_2007, Kumaran_2010, Demirbilek_2014, Jain_2017, Matsutani_2020), and some were reported as compound heterozygous with other pathogenic/likely pathogenic variants. These data indicate that the variant is very likely to be associated with disease. At least one publication reports experimental evidence evaluating an impact on protein function, finding that the variant causes channel trafficking defects (Martin_2016). The following publications have been ascertained in the context of this evaluation (PMID: 17378627, 28667717, 24686051, 20215776, 31479591, 27573238). Two submitters have cited clinical-significance assessments for this variant to ClinVar after 2014. Both submitters classified the variant as pathogenic/likely pathogenic. Based on the evidence outlined above, the variant was classified as pathogenic.

Broad Center for Mendelian Genomics, Broad Institute of MIT and Harvard
Classification: Likely pathogenic for Hyperinsulinemic hypoglycemia, familial, 1. Last evaluated: 2023-08-16. Review status: criteria provided, single submitter. Criteria: ACMG Guidelines, 2015. Collection method: curation. Allele origin: germline. Inheritance: Autosomal recessive inheritance.
Comment: The p.Arg168Cys variant in ABCC8 has been previously reported in 5 individuals with hyperinsulinemic hypoglycemia (PMID: 17378627, 20215776, 31479591, unpublished data), and has been seen in 0.002% (2/116222) of European (non-Finnish) chromosomes by the Genome Aggregation Database (gnomAD; dbSNP: rs751228166). Although this variant has been seen in the general population in a heterozygous state, its frequency is low enough to be consistent with a recessive carrier frequency. This variant has also been reported in ClinVar (Variation ID: 1459964) and has been interpreted as pathogenic by Invitae. Of the 3 affected individuals, 1 was a compound heterozygote that carried a reported likely pathogenic variant in trans and 2 were homozygotes, which increases the likelihood that the p.Arg168Cys variant is pathogenic (Variation ID: 9095; PMID: 17378627, unpublished data). In vitro functional studies provide some evidence that the p.Arg168Cys variant may slightly impact protein function (PMID: 27573238). However, these types of assays may not accurately represent biological function. Computational prediction tools and conservation analyses suggest that this variant may impact the protein, though this information is not predictive enough to determine pathogenicity. In summary, although additional studies are required to fully establish its clinical significance, this variant is likely pathogenic for autosomal recessive hyperinsulinemic hypoglycemia. ACMG/AMP Criteria applied: PM3_strong, PP3, PM2_supporting, PS3_supporting (Richards 2015).

Labcorp Genetics (formerly Invitae), Labcorp
Classification: Pathogenic. Last evaluated: 2023-05-01. Review status: criteria provided, single submitter. Criteria: Invitae Variant Classification Sherloc (09022015). Collection method: clinical testing. Allele origin: germline.
Comment: ClinVar contains an entry for this variant (Variation ID: 1459964). Advanced modeling of protein sequence and biophysical properties (such as structural, functional, and spatial information, amino acid conservation, physicochemical variation, residue mobility, and thermodynamic stability) performed at Invitae indicates that this missense variant is expected to disrupt ABCC8 protein function. Experimental studies have shown that this missense change affects ABCC8 function (PMID: 27573238). For these reasons, this variant has been classified as Pathogenic. This missense change has been observed in individual(s) with autosomal recessive ABCC8-related early onset diabetes (PMID: 17378627, 22796691, 31479591). In at least one individual the data is consistent with being in trans (on the opposite chromosome) from a pathogenic variant. It has also been observed to segregate with disease in related individuals. This sequence change replaces arginine, which is basic and polar, with cysteine, which is neutral and slightly polar, at codon 168 of the ABCC8 protein (p.Arg168Cys). The frequency data for this variant in the population databases is considered unreliable, as metrics indicate poor data quality at this position in the gnomAD database.

Literature cited by the submitters: PubMed 24686051 (cited by Natera, Inc. and Women's Health and Genetics/Laboratory Corporation of America, LabCorp); PubMed 27573238 (cited by 3 submitters); PubMed 17378627 (cited by Women's Health and Genetics/Laboratory Corporation of America, LabCorp and Labcorp Genetics (formerly Invitae), Labcorp); PubMed 28667717 (cited by Women's Health and Genetics/Laboratory Corporation of America, LabCorp); PubMed 20215776 (cited by Women's Health and Genetics/Laboratory Corporation of America, LabCorp); PubMed 31479591 (cited by Women's Health and Genetics/Laboratory Corporation of America, LabCorp and Labcorp Genetics (formerly Invitae), Labcorp); PubMed 22796691 (cited by Labcorp Genetics (formerly Invitae), Labcorp).

NM_000352.6(ABCC8):c.502C>T (p.Arg168Cys)

Gene: ABCC8 (ATP binding cassette subfamily C member 8; minus strand). Cytogenetic location: 11p15.1.
Variant type: single nucleotide variant.
Coding change: c.502C>T on transcript NM_000352.6 (MANE Select); coding-DNA position 502, C replaced by T.
Protein change: p.Arg168Cys; replaces arginine 168 with cysteine.
Molecular consequence: missense variant. On other transcripts: non-coding transcript variant (1).
Genome position (GRCh38, 1-based): chr11:17,463,515, G>A on the plus strand (C>T on the coding strand, the complement: ABCC8 is on the minus strand). VCF-style: chr11-17463515-G-A. GRCh37 (hg19) VCF-style: chr11-17485062-G-A.
Other names: NM_000352.6(ABCC8):c.502C>T; p.Arg168Cys; c.502C>T, p.Arg168Cys (NM_001287174.3, NM_001351295.2, NM_001351296.2 and 1 more transcripts); c.502C>T (NM_000352.3, NM_000352.4); short protein forms R168C.
Identifiers: ClinVar variation 1459964 (VCV001459964.11), dbSNP rs756823374, ClinGen allele CA5903857.